The following is an entry in ClinVar:

NM_000427.3(LORICRIN):c.72_95del (p.Gly26_Gly33del)

Gene: LORICRIN (loricrin cornified envelope precursor protein; plus strand). Cytogenetic location: 1q21.3.
Variant type: Deletion.
Coding change: c.72_95del on transcript NM_000427.3 (MANE Select); coding-DNA positions 72 to 95, 24 bases deleted (CGGTGGCGGCGGCAGCGGCGGTGG).
Protein change: p.Gly26_Gly33del.
Molecular consequence: inframe deletion.
Genome position (GRCh38, 1-based): chr1:153,261,021-153,261,044, CGGTGGCGGCGGCAGCGGCGGTGG deleted; deleting any 24 consecutive bases within chr1:153,261,011-153,261,044 gives the same sequence; the c. name uses the placement nearest the transcript's 3' end. VCF-style (leftmost placement, unchanged base first): chr1-153261010-GGCGGCGGTGGCGGTGGCGGCGGCA-G. GRCh37 (hg19) VCF-style: chr1-153233486-GGCGGCGGTGGCGGTGGCGGCGGCA-G.
Identifiers: ClinVar variation 2050521 (VCV002050521.4), dbSNP rs758977627, ClinGen allele CA1114265.

ClinVar aggregate classification (germline): Uncertain significance (1 of 4 stars; one submission).

Submission:

Labcorp Genetics (formerly Invitae), Labcorp
Classification: Uncertain significance. Last evaluated: 2025-09-29. Review status: criteria provided, single submitter. Criteria: Invitae Variant Classification Sherloc (09022015). Collection method: clinical testing. Allele origin: germline.
Comment: This variant, c.72_95del, results in the deletion of 8 amino acid(s) of the LOR protein (p.Gly26_Gly33del), but otherwise preserves the integrity of the reading frame. This variant is present in population databases (rs758977627, gnomAD 0.007%). This variant has not been reported in the literature in individuals affected with LOR-related conditions. ClinVar contains an entry for this variant (Variation ID: 2050521). Experimental studies and prediction algorithms are not available or were not evaluated, and the functional significance of this variant is currently unknown. In summary, the available evidence is currently insufficient to determine the role of this variant in disease. Therefore, it has been classified as a Variant of Uncertain Significance.